The following is an entry in ClinVar:

NM_000051.4(ATM):c.4163C>G (p.Ala1388Gly)

Gene: ATM (ATM serine/threonine kinase; plus strand). Cytogenetic location: 11q22.3.
Variant type: single nucleotide variant.
Coding change: c.4163C>G on transcript NM_000051.4 (MANE Select); coding-DNA position 4163, C replaced by G.
Protein change: p.Ala1388Gly; replaces alanine 1388 with glycine.
Molecular consequence: missense variant.
Genome position (GRCh38, 1-based): chr11:108,289,030, C>G. VCF-style: chr11-108289030-C-G. GRCh37 (hg19) VCF-style: chr11-108159757-C-G.
Other names: c.4163C>G, p.Ala1388Gly (NM_001351834.2); short protein forms A1388G.
Identifiers: ClinVar variation 524420 (VCV000524420.14), dbSNP rs1555096908, ClinGen allele CA382530077.

ClinVar aggregate classification (germline): Uncertain significance. Review status: criteria provided, multiple submitters, no conflicts (2 of 4 stars). 4 submissions from 4 submitters: Uncertain significance (4). Last evaluated 2026-01-07.

Conditions:
Familial cancer of breast. Also called: hereditary breast carcinoma; BREAST CANCER, FAMILIAL; Hereditary breast cancer. Identifiers: Orphanet 227535, MedGen C0346153, MONDO:0016419, OMIM 114480. Disease mechanism: loss of function.
Hereditary cancer-predisposing syndrome. Also called: Neoplastic Syndromes, Hereditary; Tumor predisposition; Hereditary Cancer Syndrome; Hereditary neoplastic syndrome. Identifiers: Orphanet 140162, MedGen C0027672, MeSH D009386, MONDO:0015356.
Ataxia-telangiectasia syndrome (AT). Also called: ATAXIA-TELANGIECTASIA, COMPLEMENTATION GROUP A; ATAXIA-TELANGIECTASIA, FRESNO VARIANT; Ataxia-telangiectasia; Ataxia-telangiectasia, complementation group D; AT, COMPLEMENTATION GROUP C; Ataxia-telangiectasia, complementation group E. Identifiers: Orphanet 100, MedGen C0004135, MONDO:0008840, OMIM 208900.

Submissions (4):

Labcorp Genetics (formerly Invitae), Labcorp
Classification: Uncertain significance for Ataxia-telangiectasia syndrome. Last evaluated: 2026-01-07. Review status: criteria provided, single submitter. Criteria: Invitae Variant Classification Sherloc (09022015). Collection method: clinical testing. Allele origin: germline.
Comment: This sequence change replaces alanine, which is neutral and non-polar, with glycine, which is neutral and non-polar, at codon 1388 of the ATM protein (p.Ala1388Gly). This variant is not present in population databases (gnomAD no frequency). This variant has not been reported in the literature in individuals affected with ATM-related conditions. ClinVar contains an entry for this variant (Variation ID: 524420). Invitae Evidence Modeling of protein sequence and biophysical properties (such as structural, functional, and spatial information, amino acid conservation, physicochemical variation, residue mobility, and thermodynamic stability) indicates that this missense variant is not expected to disrupt ATM protein function with a negative predictive value of 95%. In summary, the available evidence is currently insufficient to determine the role of this variant in disease. Therefore, it has been classified as a Variant of Uncertain Significance.

Color Diagnostics, LLC DBA Color Health
Classification: Uncertain significance for Hereditary cancer-predisposing syndrome. Last evaluated: 2025-03-31. Review status: criteria provided, single submitter. Criteria: ACMG Guidelines, 2015. Collection method: clinical testing. Allele origin: germline.
Comment: This missense variant replaces alanine with glycine at codon 1388 of the ATM protein. Computational prediction suggests that this variant may not impact protein structure and function (internally defined REVEL score threshold <= 0.5, PMID: 27666373). To our knowledge, functional studies have not been reported for this variant. This variant has not been reported in individuals affected with hereditary cancer in the literature. This variant has not been identified in the general population by the Genome Aggregation Database (gnomAD). The available evidence is insufficient to determine the role of this variant in disease conclusively. Therefore, this variant is classified as a Variant of Uncertain Significance.

Ambry Genetics
Classification: Uncertain significance for Hereditary cancer-predisposing syndrome. Last evaluated: 2024-08-08. Review status: criteria provided, single submitter. Criteria: Ambry Variant Classification Scheme 2023. Collection method: clinical testing. Allele origin: germline.
Comment: The p.A1388G variant (also known as c.4163C>G), located in coding exon 27 of the ATM gene, results from a C to G substitution at nucleotide position 4163. The alanine at codon 1388 is replaced by glycine, an amino acid with similar properties. This amino acid position is highly conserved in available vertebrate species. In addition, the in silico prediction for this alteration is inconclusive. Based on the available evidence, the clinical significance of this variant remains unclear.

Baylor Genetics
Classification: Uncertain significance for Familial cancer of breast. Last evaluated: 2023-08-08. Review status: criteria provided, single submitter. Criteria: ACMG Guidelines, 2015. Collection method: clinical testing. Allele origin: unknown.